The following is an entry in ClinVar:

NM_004586.3(RPS6KA3):c.406+1G>T

Gene: RPS6KA3 (ribosomal protein S6 kinase A3; minus strand). Cytogenetic location: Xp22.12.
Variant type: single nucleotide variant.
Coding change: c.406+1G>T on transcript NM_004586.3 (MANE Select); the canonical splice donor site of the intron after coding-DNA position 406, G replaced by T.
Molecular consequence: splice donor variant.
Genome position (GRCh38, 1-based): chrX:20,195,064, C>A on the plus strand (G>T on the coding strand, the complement: RPS6KA3 is on the minus strand). VCF-style: chrX-20195064-C-A. GRCh37 (hg19) VCF-style: chrX-20213182-C-A.
Identifiers: ClinVar variation 2576591 (VCV002576591.3), dbSNP rs2519762863, ClinGen allele CA412510638.
Genomic context (GRCh38, chrX:20,195,064, plus strand): 5'-TGTCCTCAGGGATTTTGAGGGATGAGGTCAAGGGATGATGTGGGAGACGGCTCATACTTA[C>A]CATAATGCAACTTGACAATAAAAGGATGATTAACCTCTACCAAGATATCACGTTCCATTT-3'

ClinVar aggregate classification (germline): Likely pathogenic (1 of 4 stars; one submission).

Conditions:
Coffin-Lowry syndrome (CLS). Also called: Mental retardation with osteocartilaginous abnormalities; COFFIN-LOWRY SYNDROME, MILD. Identifiers: Orphanet 192, MedGen C0265252, MONDO:0010561, OMIM 303600.

Submission:

Institute of Human Genetics, University of Leipzig Medical Center
Classification: Likely pathogenic for Coffin-Lowry syndrome. Last evaluated: 2023-08-11. Review status: criteria provided, single submitter. Criteria: ACMG Guidelines, 2015. Collection method: clinical testing. Allele origin: de novo. Inheritance: X-linked recessive inheritance. Affected: yes.
Comment: Criteria applied: PVS1_STR,PS2,PM2_SUP